The following is an entry in ClinVar:

ClinVar aggregate classification (germline): Uncertain significance (1 of 4 stars; one submission).

gnomAD v4.1: 7 of 1,614,004 alleles (0.00043%); highest among the groups gnomAD compares: Non-Finnish European, 0.00059%; no homozygotes.

Submission:

CeGaT Center for Human Genetics Tuebingen
Classification: Uncertain significance. Last evaluated: 2024-09-01. Review status: criteria provided, single submitter. Criteria: CeGaT Center For Human Genetics Tuebingen Variant Classification Criteria Version 2. Collection method: clinical testing. Allele origin: germline. Affected: yes. Observed: 1 variant allele.
Comment: ATCAY: PM2

NM_033064.5(ATCAY):c.430G>C (p.Glu144Gln)

Gene: ATCAY (ATCAY kinesin light chain interacting caytaxin; plus strand). Cytogenetic location: 19p13.3.
Variant type: single nucleotide variant.
Coding change: c.430G>C on transcript NM_033064.5 (MANE Select); coding-DNA position 430, G replaced by C.
Protein change: p.Glu144Gln; replaces glutamic acid 144 with glutamine.
Molecular consequence: missense variant.
Genome position (GRCh38, 1-based): chr19:3,907,805, G>C. VCF-style: chr19-3907805-G-C. GRCh37 (hg19) VCF-style: chr19-3907803-G-C.
Other names: short protein forms E144Q.
Identifiers: ClinVar variation 3388606 (VCV003388606.14).
Genomic context (GRCh38, chr19:3,907,805, plus strand): 5'-GTGGCCACCGCCAAGAACATGCCCGGGGACAGCGCGGATCTATTTGGGGACGGCACGACG[G>C]AGGACGGCAGCGCCGCCAACGGGCGCCTGTGGCGGACAGTGATCATCGGGGAGCAAGAGC-3'
Protein context (NP_149053.1, residues 134-154): SADLFGDGTT[Glu144Gln]DGSAANGRLW